The following is an entry in ClinVar:

ClinVar aggregate classification (germline): Uncertain significance (1 of 4 stars; one submission).

Submission:

Ambry Genetics
Classification: Uncertain significance. Last evaluated: 2023-11-22. Review status: criteria provided, single submitter. Criteria: Ambry Variant Classification Scheme 2023. Collection method: clinical testing. Allele origin: germline.
Comment: The p.R210G variant (also known as c.628A>G), located in coding exon 8 of the BUB1 gene, results from an A to G substitution at nucleotide position 628. The arginine at codon 210 is replaced by glycine, an amino acid with dissimilar properties. This amino acid position is conserved. In addition, the in silico prediction for this alteration is inconclusive. Since supporting evidence is limited at this time, the clinical significance of this alteration remains unclear.

NM_004336.5(BUB1):c.628A>G (p.Arg210Gly)

Gene: BUB1 (BUB1 mitotic checkpoint serine/threonine kinase; minus strand). Cytogenetic location: 2q13.
Variant type: single nucleotide variant.
Coding change: c.628A>G on transcript NM_004336.5 (MANE Select); coding-DNA position 628, A replaced by G.
Protein change: p.Arg210Gly; replaces arginine 210 with glycine.
Molecular consequence: missense variant.
Genome position (GRCh38, 1-based): chr2:110,667,698, T>C on the plus strand (A>G on the coding strand, the complement: BUB1 is on the minus strand). VCF-style: chr2-110667698-T-C. GRCh37 (hg19) VCF-style: chr2-111425275-T-C.
Other names: c.568A>G, p.Arg190Gly (NM_001278616.2); c.628A>G, p.Arg210Gly (NM_001278617.2); short protein forms R190G, R210G.
Identifiers: ClinVar variation 3224112 (VCV003224112.1), dbSNP rs2468028485, ClinGen allele CA348218109.